The following is an entry in ClinVar:

ClinVar aggregate classification (germline): Uncertain significance (1 of 4 stars; one submission).

gnomAD v4.1: 44 of 1,609,310 alleles (0.0027%); highest among the groups gnomAD compares: South Asian, 0.013%; no homozygotes.

Submission:

Labcorp Genetics (formerly Invitae), Labcorp
Classification: Uncertain significance. Last evaluated: 2025-06-19. Review status: criteria provided, single submitter. Criteria: Invitae Variant Classification Sherloc (09022015). Collection method: clinical testing. Allele origin: germline.
Comment: This sequence change creates a premature translational stop signal (p.Arg115*) in the BLK gene. It is expected to result in an absent or disrupted protein product. However, the current clinical and genetic evidence is not sufficient to establish whether loss-of-function variants in BLK cause disease. This variant is present in population databases (rs754227902, gnomAD 0.007%). This variant has not been reported in the literature in individuals affected with BLK-related conditions. Algorithms developed to predict the effect of sequence changes on RNA splicing suggest that this variant may disrupt the consensus splice site. In summary, the available evidence is currently insufficient to determine the role of this variant in disease. Therefore, it has been classified as a Variant of Uncertain Significance.

NM_001715.3(BLK):c.343C>T (p.Arg115Ter)

Gene: BLK (BLK proto-oncogene, Src family tyrosine kinase). Cytogenetic location: 8p23.1.
Variant type: single nucleotide variant.
Coding change: c.343C>T on transcript NM_001715.3 (MANE Select); coding-DNA position 343, C replaced by T.
Protein change: p.Arg115Ter; replaces arginine 115 with a stop codon.
Molecular consequence: nonsense.
Genome position (GRCh38, 1-based): chr8:11,549,097, C>T. VCF-style: chr8-11549097-C-T. GRCh37 (hg19) VCF-style: chr8-11406606-C-T.
Other names: c.130C>T, p.Arg44Ter (NM_001330465.2); short protein forms R115*, R44*.
Identifiers: ClinVar variation 4711699 (VCV004711699.1), dbSNP rs754227902.
Genomic context (GRCh38, chr8:11,549,097, plus strand): 5'-TGGCTGGCCAGGTCACTCGTCACAGGAAGAGAAGGCTATGTGCCCAGTAACTTTGTGGCC[C>T]GAGTGGAGAGCCTGGAAATGGAAAGGTAGGTGGGCACGGGAACCCCCCTCGAGCCAAGAT-3'